The following is an entry in ClinVar:

NM_170601.5(SIAE):c.1400C>T (p.Ala467Val)

Gene: SIAE (sialic acid acetylesterase; minus strand). Cytogenetic location: 11q24.2.
Variant type: single nucleotide variant.
Coding change: c.1400C>T on transcript NM_170601.5 (MANE Select); coding-DNA position 1400, C replaced by T.
Protein change: p.Ala467Val; replaces alanine 467 with valine.
Molecular consequence: missense variant.
Genome position (GRCh38, 1-based): chr11:124,637,123, G>A on the plus strand (C>T on the coding strand, the complement: SIAE is on the minus strand). VCF-style: chr11-124637123-G-A. GRCh37 (hg19) VCF-style: chr11-124507019-G-A.
Other names: c.1295C>T, p.Ala432Val (NM_001199922.2); short protein forms A432V, A467V.
Identifiers: ClinVar variation 776676 (VCV000776676.12), dbSNP rs7941523, ClinGen allele CA6341183.

ClinVar aggregate classification (germline): Benign. Review status: criteria provided, multiple submitters, no conflicts (2 of 4 stars). 3 submissions from 3 submitters: Benign (3). Last evaluated 2026-02-01.

Allele frequency attached by ClinVar (database versions not stated): gnomAD exomes 0.00366 and 0.00870; ExAC 0.00985; gnomAD 0.02254 and 0.02364; ESP Exome Variant Server 0.02292; TOPMed 0.02607; 1000 Genomes Project 0.03215; 1000 Genomes Project 30x 0.03342.
gnomAD v4.1: 9,057 of 1,614,100 alleles (0.56%); highest among the groups gnomAD compares: African/African-American, 7.5%; 227 homozygotes.

Submissions (3):

Labcorp Genetics (formerly Invitae), Labcorp
Classification: Benign. Last evaluated: 2026-02-01. Review status: criteria provided, single submitter. Criteria: Invitae Variant Classification Sherloc (09022015). Collection method: clinical testing. Allele origin: germline.

GeneDx
Classification: Benign. Last evaluated: 2020-07-15. Review status: criteria provided, single submitter. Criteria: GeneDx Variant Classification Process June 2021. Collection method: clinical testing. Allele origin: germline. Affected: yes.
Comment: This variant is associated with the following publications: (PMID: 24748456)

Breakthrough Genomics
Classification: Benign. Review status: criteria provided, single submitter. Criteria: ACMG Guidelines, 2015. Collection method: not provided. Allele origin: germline. Inheritance: Unknown mechanism. Affected: yes.